The following is an entry in ClinVar:

ClinVar aggregate classification (germline): Uncertain significance (1 of 4 stars; one submission).

Conditions:
Autosomal recessive nonsyndromic hearing loss 9. Also called: Deafness, autosomal recessive 9; OTOF-Related Hearing Loss; NEUROSENSORY NONSYNDROMIC RECESSIVE DEAFNESS 9; AUDITORY NEUROPATHY, AUTOSOMAL RECESSIVE, 1, TEMPERATURE-SENSITIVE. Identifiers: Orphanet 90636, MedGen C1832828, MONDO:0010986, OMIM 601071.

Allele frequency attached by ClinVar (database versions not stated): TOPMed below 0.00001; ExAC 0.00001; gnomAD 0.00001; gnomAD exomes 0.00001 and 0.00003.
gnomAD v4.1: 39 of 1,613,942 alleles (0.0024%); highest among the groups gnomAD compares: East Asian, 0.087%; no homozygotes.

Submission:

Illumina Laboratory Services, Illumina
Classification: Uncertain significance for Autosomal recessive nonsyndromic hearing loss 9. Last evaluated: 2017-04-27. Review status: criteria provided, single submitter. Criteria: ICSL Variant Classification Criteria 13 December 2019. Collection method: clinical testing. Allele origin: germline.
Comment: This variant was observed as part of a predisposition screen in an ostensibly healthy population. A literature search was performed for the gene, cDNA change, and amino acid change (where applicable). Publications were found based on this search. However, the evidence from the literature, in combination with allele frequency data from public databases where available, was not sufficient to rule this variant in or out of causing disease. Therefore, this variant is classified as a variant of unknown significance.

Literature cited by the submitters: PubMed 24053799.

NM_194248.3(OTOF):c.1350C>G (p.Asp450Glu)

Gene: OTOF (otoferlin; minus strand). Cytogenetic location: 2p23.3.
Variant type: single nucleotide variant.
Coding change: c.1350C>G on transcript NM_194248.3 (MANE Select); coding-DNA position 1350, C replaced by G.
Protein change: p.Asp450Glu; replaces aspartic acid 450 with glutamic acid.
Molecular consequence: missense variant.
Genome position (GRCh38, 1-based): chr2:26,483,504, G>C on the plus strand (C>G on the coding strand, the complement: OTOF is on the minus strand). VCF-style: chr2-26483504-G-C. GRCh37 (hg19) VCF-style: chr2-26706372-G-C.
Other names: c.1350C>G, p.Asp450Glu (NM_001287489.2); short protein forms D450E.
Identifiers: ClinVar variation 895172 (VCV000895172.4), dbSNP rs779693261, ClinGen allele CA1564308.